The following is an entry in ClinVar:

NM_004356.4(CD81):c.552C>A (p.Asn184Lys)

Gene: CD81 (CD81 molecule; plus strand). Cytogenetic location: 11p15.5.
Variant type: single nucleotide variant.
Coding change: c.552C>A on transcript NM_004356.4 (MANE Select); coding-DNA position 552, C replaced by A.
Protein change: p.Asn184Lys; replaces asparagine 184 with lysine.
Molecular consequence: missense variant.
Genome position (GRCh38, 1-based): chr11:2,395,961, C>A. VCF-style: chr11-2395961-C-A. GRCh37 (hg19) VCF-style: chr11-2417191-C-A.
Other names: c.339C>A, p.Asn113Lys (NM_001297649.2); short protein forms N184K, N113K.
Identifiers: ClinVar variation 2047355 (VCV002047355.4), dbSNP rs2496540986, ClinGen allele CA379124951.

ClinVar aggregate classification (germline): Uncertain significance (1 of 4 stars; one submission).

Submission:

Labcorp Genetics (formerly Invitae), Labcorp
Classification: Uncertain significance. Last evaluated: 2021-12-18. Review status: criteria provided, single submitter. Criteria: Invitae Variant Classification Sherloc (09022015). Collection method: clinical testing. Allele origin: germline.
Comment: In summary, the available evidence is currently insufficient to determine the role of this variant in disease. Therefore, it has been classified as a Variant of Uncertain Significance. Algorithms developed to predict the effect of missense changes on protein structure and function (SIFT, PolyPhen-2, Align-GVGD) all suggest that this variant is likely to be tolerated. This variant has not been reported in the literature in individuals affected with CD81-related conditions. This variant is not present in population databases (gnomAD no frequency). This sequence change replaces asparagine, which is neutral and polar, with lysine, which is basic and polar, at codon 184 of the CD81 protein (p.Asn184Lys).